The following is an entry in ClinVar:

NM_006466.4(POLR3F):c.722C>T (p.Thr241Ile)

Gene: POLR3F (RNA polymerase III subunit F; plus strand). Cytogenetic location: 20p11.23.
Variant type: single nucleotide variant.
Coding change: c.722C>T on transcript NM_006466.4 (MANE Select); coding-DNA position 722, C replaced by T.
Protein change: p.Thr241Ile; replaces threonine 241 with isoleucine.
Molecular consequence: missense variant. On other transcripts: non-coding transcript variant (1).
Genome position (GRCh38, 1-based): chr20:18,481,659, C>T. VCF-style: chr20-18481659-C-T. GRCh37 (hg19) VCF-style: chr20-18462303-C-T.
Other names: c.599C>T, p.Thr200Ile (NM_001282526.2); c.578C>T, p.Thr193Ile (NM_001410821.1); short protein forms T193I, T241I, T200I.
Identifiers: ClinVar variation 3724004 (VCV003724004.2).
Genomic context (GRCh38, chr20:18,481,659, plus strand): 5'-CTGATGTATCCCTTTTTTAGGTAGAGTTATCCATGGAAGACATTGAAACCATCCTGAATA[C>T]ACTCATTTATGATGGAAAAGTGGAGATGACGATTATTGCTGCAAAAGAAGGCACAGTTGG-3'
Protein context (NP_006457.2, residues 231-251): SMEDIETILN[Thr241Ile]LIYDGKVEMT

ClinVar aggregate classification (germline): Uncertain significance (1 of 4 stars; one submission).

Submission:

Labcorp Genetics (formerly Invitae), Labcorp
Classification: Uncertain significance. Last evaluated: 2024-10-29. Review status: criteria provided, single submitter. Criteria: Invitae Variant Classification Sherloc (09022015). Collection method: clinical testing. Allele origin: germline.
Comment: This sequence change replaces threonine, which is neutral and polar, with isoleucine, which is neutral and non-polar, at codon 200 of the POLR3F protein (p.Thr200Ile). This variant is present in population databases (no rsID available, gnomAD 0.0009%). This variant has not been reported in the literature in individuals affected with POLR3F-related conditions. Experimental studies and prediction algorithms are not available or were not evaluated, and the functional significance of this variant is currently unknown. In summary, the available evidence is currently insufficient to determine the role of this variant in disease. Therefore, it has been classified as a Variant of Uncertain Significance.